The following is an entry in ClinVar:

NC_000017.10:g.(?_59760647)_(59938910_?)dup

Genes: BRIP1 (BRCA1 interacting DNA helicase 1; minus strand), LOC130061360 (ATAC-STARR-seq lymphoblastoid active region 12535; plus strand), LOC110120932 (VISTA enhancer hs778; plus strand). Cytogenetic location: 17q23.2.
Variant type: Duplication.
Identifiers: ClinVar variation 650694 (VCV000650694.3).

ClinVar aggregate classification (germline): Uncertain significance (1 of 4 stars; one submission).

Conditions:
Familial cancer of breast. Also called: hereditary breast carcinoma; BREAST CANCER, FAMILIAL; Hereditary breast cancer. Identifiers: Orphanet 227535, MedGen C0346153, MONDO:0016419, OMIM 114480. Disease mechanism: loss of function.
Fanconi anemia complementation group J. Also called: BRIP1-Related Fanconi Anemia. Identifiers: Orphanet 84, MedGen C1836860, MONDO:0012187, OMIM 609054.

Submission:

Labcorp Genetics (formerly Invitae), Labcorp
Classification: Uncertain significance for Hereditary Breast Carcinoma; Fanconi anemia, complementation group J. Last evaluated: 2019-05-05. Review status: criteria provided, single submitter. Criteria: Invitae Variant Classification Sherloc (09022015). Collection method: clinical testing. Allele origin: germline.
Comment: This variant results in a copy number gain of the genomic region encompassing the full coding sequence of the BRIP1 gene. The boundaries of this event are unknown as they extend beyond the assayed region for this gene and therefore may encompass additional genes. As the precise location of this event is unknown, it may be in tandem or it may be located elsewhere in the genome. This variant has not been reported in the literature in individuals with BRIP1-related conditions. In summary, the available evidence is currently insufficient to determine the role of this variant in disease. Therefore, it has been classified as a Variant of Uncertain Significance.